The following is an entry in ClinVar:

ClinVar aggregate classification (germline): Uncertain significance (1 of 4 stars; one submission).

Conditions:
Neuropathy, hereditary sensory and autonomic, type 2A (HSAN2A). Also called: WNK1-Related HSAN2 (HSAN2A); MORVAN DISEASE; NEUROPATHY, CONGENITAL SENSORY; NEUROPATHY, HEREDITARY SENSORY RADICULAR, AUTOSOMAL RECESSIVE; NEUROPATHY, HEREDITARY SENSORY, TYPE IIA; NEUROPATHY, PROGRESSIVE SENSORY, OF CHILDREN. Identifiers: Orphanet 970, MedGen C2752089, MONDO:0024309, OMIM 201300.
Generalized epilepsy with febrile seizures plus, type 7 (GEFSP7). Also called: GEFS+, TYPE 7. Identifiers: Orphanet 36387, MedGen C2751778, MONDO:0013470, OMIM 613863.

Allele frequency attached by ClinVar (database versions not stated): gnomAD exomes below 0.00001.
gnomAD v4.1: 1 of 1,614,086 alleles (0.000062%); highest among the groups gnomAD compares: Non-Finnish European, 0.000085%; no homozygotes.

Submission:

Labcorp Genetics (formerly Invitae), Labcorp
Classification: Uncertain significance for Neuropathy, hereditary sensory and autonomic, type 2A; Generalized epilepsy with febrile seizures plus, type 7. Last evaluated: 2022-09-19. Review status: criteria provided, single submitter. Criteria: Invitae Variant Classification Sherloc (09022015). Collection method: clinical testing. Allele origin: germline.
Comment: In summary, the available evidence is currently insufficient to determine the role of this variant in disease. Therefore, it has been classified as a Variant of Uncertain Significance. Advanced modeling of protein sequence and biophysical properties (such as structural, functional, and spatial information, amino acid conservation, physicochemical variation, residue mobility, and thermodynamic stability) performed at Invitae indicates that this missense variant is not expected to disrupt SCN9A protein function. ClinVar contains an entry for this variant (Variation ID: 648736). This sequence change replaces methionine, which is neutral and non-polar, with threonine, which is neutral and polar, at codon 932 of the SCN9A protein (p.Met932Thr). This variant is not present in population databases (gnomAD no frequency). This variant has not been reported in the literature in individuals affected with SCN9A-related conditions.

NM_001365536.1(SCN9A):c.2828T>C (p.Met943Thr)

Genes: SCN9A (sodium voltage-gated channel alpha subunit 9; minus strand), SCN1A-AS1 (SCN1A and SCN9A antisense RNA 1; plus strand). Cytogenetic location: 2q24.3.
Variant type: single nucleotide variant.
Coding change: c.2828T>C on transcript NM_001365536.1 (MANE Select); coding-DNA position 2828, T replaced by C.
Protein change: p.Met943Thr; replaces methionine 943 with threonine.
Molecular consequence: missense variant.
Genome position (GRCh38, 1-based): chr2:166,277,029, A>G on the plus strand (T>C on the coding strand, the complement: SCN9A is on the minus strand). VCF-style: chr2-166277029-A-G. GRCh37 (hg19) VCF-style: chr2-167133539-A-G.
Other names: c.2795T>C, p.Met932Thr (NM_002977.4); short protein forms M932T, M943T.
Identifiers: ClinVar variation 648736 (VCV000648736.11), dbSNP rs1574851227, ClinGen allele CA349077091.